The following is an entry in ClinVar:

NM_001367624.2(ZNF469):c.9827G>A (p.Arg3276His)

Gene: ZNF469 (zinc finger protein 469; plus strand). Cytogenetic location: 16q24.2.
Variant type: single nucleotide variant.
Coding change: c.9827G>A on transcript NM_001367624.2 (MANE Select); coding-DNA position 9827, G replaced by A.
Protein change: p.Arg3276His; replaces arginine 3276 with histidine.
Molecular consequence: missense variant.
Genome position (GRCh38, 1-based): chr16:88,437,297, G>A. VCF-style: chr16-88437297-G-A. GRCh37 (hg19) VCF-style: chr16-88503705-G-A.
Other names: NM_001127464.1:c.9743G>A; short protein forms R3276H.
Identifiers: ClinVar variation 1768059 (VCV001768059.2), dbSNP rs2142314687, ClinGen allele CA397124798.
Genomic context (GRCh38, chr16:88,437,297, plus strand): 5'-GGGGGCAAGAGGGAGAAGCCAAGAAAGACAGCCCGGGCGAGAGGGCGAAACCCCGGGCAC[G>A]CAGCACCCCCAGCAACCCAGACGGGGCCGCGACCCCAGACAGCGCCTCTGCCACCGCCCT-3'
Protein context (NP_001354553.1, residues 3266-3286): SPGERAKPRA[Arg3276His]STPSNPDGAA

ClinVar aggregate classification (germline): Uncertain significance (1 of 4 stars; one submission).

Conditions:
Cardiovascular phenotype. Identifiers: MedGen CN230736.

gnomAD v4.1: 5 of 1,547,522 alleles (0.00032%); highest among the groups gnomAD compares: East Asian, 0.0098%; no homozygotes.

Submission:

Ambry Genetics
Classification: Uncertain significance for Cardiovascular phenotype. Last evaluated: 2019-01-23. Review status: criteria provided, single submitter. Criteria: Ambry Variant Classification Scheme 2023. Collection method: clinical testing. Allele origin: germline.
Comment: The p.R3248H variant (also known as c.9743G>A), located in coding exon 2 of the ZNF469 gene, results from a G to A substitution at nucleotide position 9743. The arginine at codon 3248 is replaced by histidine, an amino acid with highly similar properties. This amino acid position is not well conserved in available vertebrate species, and histidine is the reference amino acid in other vertebrate species. In addition, this alteration is predicted to be tolerated by in silico analysis. Since supporting evidence is limited at this time, the clinical significance of this alteration remains unclear.